The following is an entry in ClinVar:

ClinVar aggregate classification (germline): Likely pathogenic (1 of 4 stars; one submission).

Submission:

CeGaT Center for Human Genetics Tuebingen
Classification: Likely pathogenic. Last evaluated: 2026-06-01. Review status: criteria provided, single submitter. Criteria: CeGaT Center For Human Genetics Tuebingen Variant Classification Criteria Version 2. Collection method: clinical testing. Allele origin: germline. Affected: yes. Observed: 1 variant allele.
Comment: TFAP2A: PM1, PM2, PM5, PS2:Moderate

NM_001372066.1(TFAP2A):c.659T>A (p.Leu220His)

Genes: TFAP2A (transcription factor AP-2 alpha; minus strand), TFAP2A-AS2 (TFAP2A antisense RNA 2; plus strand), LOC121740638 (BRD4-independent group 4 enhancer GRCh37_chr6:10403277-10404476; plus strand). Cytogenetic location: 6p24.3.
Variant type: single nucleotide variant.
Coding change: c.659T>A on transcript NM_001372066.1 (MANE Select); coding-DNA position 659, T replaced by A.
Protein change: p.Leu220His; replaces leucine 220 with histidine.
Molecular consequence: missense variant. On other transcripts: non-coding transcript variant (1).
Genome position (GRCh38, 1-based): chr6:10,404,619, A>T on the plus strand (T>A on the coding strand, the complement: TFAP2A is on the minus strand). VCF-style: chr6-10404619-A-T. GRCh37 (hg19) VCF-style: chr6-10404852-A-T.
Other names: c.635T>A, p.Leu212His (NM_001032280.3); c.641T>A, p.Leu214His (NM_001042425.3); short protein forms L212H, L214H, L220H.
Identifiers: ClinVar variation 4875422 (VCV004875422.2).